The following is an entry in ClinVar:

NM_022370.4(ROBO3):c.228C>T (p.Ser76=)

Gene: ROBO3 (roundabout guidance receptor 3; plus strand). Cytogenetic location: 11q24.2.
Variant type: single nucleotide variant.
Coding change: c.228C>T on transcript NM_022370.4 (MANE Select); coding-DNA position 228, C replaced by T.
Protein change: p.Ser76=; no amino-acid change (serine 76 retained).
Molecular consequence: synonymous variant.
Genome position (GRCh38, 1-based): chr11:124,868,869, C>T. VCF-style: chr11-124868869-C-T. GRCh37 (hg19) VCF-style: chr11-124738765-C-T.
Other names: c.228C>T (NM_022370.3).
Identifiers: ClinVar variation 4914685 (VCV004914685.2).

ClinVar aggregate classification (germline): Likely benign. Review status: criteria provided, multiple submitters, no conflicts (2 of 4 stars). 2 submissions from 2 submitters: Likely benign (2). Last evaluated 2026-05-14.

Conditions:
ROBO3-related disorder. Also called: ROBO3-related condition.

gnomAD v4.1: 93 of 1,607,826 alleles (0.0058%); highest among the groups gnomAD compares: African/African-American, 0.069%; no homozygotes.

Submissions (2):

PreventionGenetics, part of Exact Sciences
Classification: Likely benign for ROBO3-related condition. Last evaluated: 2026-05-14. Review status: criteria provided, single submitter. Criteria: ACMG Guidelines, 2015. Collection method: clinical testing. Allele origin: germline.
Comment: This variant is classified as likely benign based on ACMG/AMP sequence variant interpretation guidelines (Richards et al. 2015 PMID: 25741868, with internal and published modifications).

Blueprint Genetics
Classification: Likely benign. Last evaluated: 2024-10-14. Review status: criteria provided, single submitter. Criteria: ACMG Guidelines, 2015. Collection method: clinical testing. Allele origin: germline.